The following is an entry in ClinVar:

ClinVar aggregate classification (germline): Conflicting classifications of pathogenicity. Review status: criteria provided, conflicting classifications (1 of 4 stars). 3 submissions from 3 submitters: Uncertain significance (2); Likely benign (1). Last evaluated 2025-10-28.

Conditions:
Familial thoracic aortic aneurysm and aortic dissection (TAAD). Also called: Thoracic aortic aneurysms and dissections. Identifiers: Orphanet 91387, MedGen C4707243, MONDO:0019625.
Congenital contractural arachnodactyly (CCA). Also called: BEALS SYNDROME; Arthrogryposis, distal, type 9; Beals-Hecht syndrome. Identifiers: Orphanet 115, MedGen C0220668, MONDO:0007363, OMIM 121050.

Allele frequency attached by ClinVar (database versions not stated): gnomAD 0.00001; gnomAD exomes 0.00001; TOPMed 0.00001.
gnomAD v4.1: 14 of 1,613,560 alleles (0.00087%); highest among the groups gnomAD compares: Non-Finnish European, 0.0012%; no homozygotes.

Submissions (3):

Labcorp Genetics (formerly Invitae), Labcorp
Classification: Uncertain significance for Congenital contractural arachnodactyly. Last evaluated: 2025-10-28. Review status: criteria provided, single submitter. Criteria: Invitae Variant Classification Sherloc (09022015). Collection method: clinical testing. Allele origin: germline.
Comment: This sequence change replaces histidine, which is basic and polar, with glutamine, which is neutral and polar, at codon 500 of the FBN2 protein (p.His500Gln). This variant is present in population databases (no rsID available, gnomAD 0.002%). This variant has not been reported in the literature in individuals affected with FBN2-related conditions. ClinVar contains an entry for this variant (Variation ID: 2885056). Invitae Evidence Modeling of protein sequence and biophysical properties (such as structural, functional, and spatial information, amino acid conservation, physicochemical variation, residue mobility, and thermodynamic stability) indicates that this missense variant is not expected to disrupt FBN2 protein function with a negative predictive value of 80%. In summary, the available evidence is currently insufficient to determine the role of this variant in disease. Therefore, it has been classified as a Variant of Uncertain Significance.

Laboratory of Genetics, Children's Clinical University Hospital Latvia
Classification: Likely benign. Last evaluated: 2025-02-16. Review status: criteria provided, single submitter. Criteria: ACMG Guidelines, 2015. Collection method: clinical testing. Allele origin: germline. Affected: yes.

Ambry Genetics
Classification: Uncertain significance for Familial thoracic aortic aneurysm and aortic dissection. Last evaluated: 2024-04-17. Review status: criteria provided, single submitter. Criteria: Ambry Variant Classification Scheme 2023. Collection method: clinical testing. Allele origin: germline.
Comment: The p.H500Q variant (also known as c.1500T>G), located in coding exon 11 of the FBN2 gene, results from a T to G substitution at nucleotide position 1500. The histidine at codon 500 is replaced by glutamine, an amino acid with highly similar properties. This amino acid position is well conserved in available vertebrate species. In addition, this alteration is predicted to be tolerated by in silico analysis. Based on the available evidence, the clinical significance of this variant remains unclear.

NM_001999.4(FBN2):c.1500T>G (p.His500Gln)

Gene: FBN2 (fibrillin 2; minus strand). Cytogenetic location: 5q23.3.
Variant type: single nucleotide variant.
Coding change: c.1500T>G on transcript NM_001999.4 (MANE Select); coding-DNA position 1500, T replaced by G.
Protein change: p.His500Gln; replaces histidine 500 with glutamine.
Molecular consequence: missense variant.
Genome position (GRCh38, 1-based): chr5:128,392,121, A>C on the plus strand (T>G on the coding strand, the complement: FBN2 is on the minus strand). VCF-style: chr5-128392121-A-C. GRCh37 (hg19) VCF-style: chr5-127727814-A-C.
Other names: c.1500T>G (NM_001999.3); short protein forms H500Q.
Identifiers: ClinVar variation 2885056 (VCV002885056.5), dbSNP rs1422851315, ClinGen allele CA360747972.
Genomic context (GRCh38, chr5:128,392,121, plus strand): 5'-TTCACATCGGTAGCTTGAGACAGTTGGTATACAGCGTCCATTTAAACAAAGGTTAGCATG[A>C]TGCTTACAGATATCTATTGTCTGGTTCAGAATTGCTACGGAAAATTAAAGCACAATTATA-3'
Protein context (NP_001990.2, residues 490-510): ILNQTIDICK[His500Gln]HANLCLNGRC